The following is an entry in ClinVar:

NM_001830.4(CLCN4):c.443C>T (p.Ala148Val)

Gene: CLCN4 (chloride voltage-gated channel 4; plus strand). Cytogenetic location: Xp22.2.
Variant type: single nucleotide variant.
Coding change: c.443C>T on transcript NM_001830.4 (MANE Select); coding-DNA position 443, C replaced by T.
Protein change: p.Ala148Val; replaces alanine 148 with valine.
Molecular consequence: missense variant.
Genome position (GRCh38, 1-based): chrX:10,197,949, C>T. VCF-style: chrX-10197949-C-T. GRCh37 (hg19) VCF-style: chrX-10165989-C-T.
Other names: c.161C>T, p.Ala54Val (NM_001256944.2); short protein forms A148V, A54V.
Identifiers: ClinVar variation 1314497 (VCV001314497.2), dbSNP rs2147173781, ClinGen allele CA412034600.
Genomic context (GRCh38, chrX:10,197,949, plus strand): 5'-AGGTCAGCTGTGGCTAATGTTTCCTTTTGTGTTTTGTGTCTGTTGTCTAGGGTGCCAGTG[C>T]TTACATTCTGAATTACTTAATGTACATCCTATGGGCGCTGCTGTTTGCATTTTTGGCTGT-3'
Protein context (NP_001821.2, residues 138-158): LLVNQSEGAS[Ala148Val]YILNYLMYIL

ClinVar aggregate classification (germline): Uncertain significance (1 of 4 stars; one submission).

Submission:

GeneDx
Classification: Uncertain significance. Last evaluated: 2021-04-08. Review status: criteria provided, single submitter. Criteria: GeneDx Variant Classification Process June 2021. Collection method: clinical testing. Allele origin: germline. Affected: yes.
Comment: Not observed in large population cohorts (Lek et al., 2016); In silico analysis supports that this missense variant does not alter protein structure/function; Has not been previously published as pathogenic or benign to our knowledge